The following is an entry in ClinVar:

ClinVar aggregate classification (germline): Uncertain significance (1 of 4 stars; one submission).

Submission:

Labcorp Genetics (formerly Invitae), Labcorp
Classification: Uncertain significance. Last evaluated: 2021-05-13. Review status: criteria provided, single submitter. Criteria: Invitae Variant Classification Sherloc (09022015). Collection method: clinical testing. Allele origin: germline.
Comment: In summary, the available evidence is currently insufficient to determine the role of this variant in disease. Therefore, it has been classified as a Variant of Uncertain Significance. Algorithms developed to predict the effect of sequence changes on RNA splicing suggest that this variant may create or strengthen a splice site, but this prediction has not been confirmed by published transcriptional studies. This variant has not been reported in the literature in individuals with UNC13A-related conditions. This variant is not present in population databases (ExAC no frequency). This sequence change creates a premature translational stop signal (p.Tyr568*) in the UNC13A gene. It is expected to result in an absent or disrupted protein product. However, the current clinical and genetic evidence is not sufficient to establish whether loss-of-function variants in UNC13A cause disease.

NM_001080421.3(UNC13A):c.1704del (p.Cys567_Tyr568insTer)

Gene: UNC13A (unc-13 homolog A; minus strand). Cytogenetic location: 19p13.11.
Variant type: Deletion.
Coding change: c.1704del on transcript NM_001080421.3 (MANE Select); coding-DNA position 1704, one base deleted (C; older notation c.1704delC).
Protein change: p.Cys567_Tyr568insTer.
Molecular consequence: nonsense.
Genome position (GRCh38, 1-based): chr19:17,648,543, G deleted on the plus strand (C on the coding strand, the reverse complement: UNC13A is on the minus strand). VCF-style (leftmost placement, unchanged base first): chr19-17648542-CG-C. GRCh37 (hg19) VCF-style: chr19-17759351-CG-C.
Other names: c.1698del, p.Cys565_Tyr566insTer (NM_001387021.1, NM_001387022.1, NM_001387023.1).
Identifiers: ClinVar variation 1353093 (VCV001353093.6), dbSNP rs2145070449, ClinGen allele CA2573156164.